The following is an entry in ClinVar:

NM_000514.4(GDNF):c.*2162G>T

Gene: GDNF (glial cell derived neurotrophic factor; minus strand). Cytogenetic location: 5p13.2.
Variant type: single nucleotide variant.
Coding change: c.*2162G>T on transcript NM_000514.4 (MANE Select); 2162 bases downstream of the stop codon, G replaced by T.
Molecular consequence: 3 prime UTR variant.
Genome position (GRCh38, 1-based): chr5:37,813,489, C>A on the plus strand (G>T on the coding strand, the complement: GDNF is on the minus strand). VCF-style: chr5-37813489-C-A. GRCh37 (hg19) VCF-style: chr5-37813591-C-A.
Other names: c.*2162G>T (NM_001190468.1, NM_001190469.1, NM_001278098.1 and 1 more transcripts).
Identifiers: ClinVar variation 353480 (VCV000353480.6), dbSNP rs17379771, ClinGen allele CA10624704.
Genomic context (GRCh38, chr5:37,813,489, plus strand): 5'-TATGAAATGCGTAACAAGCTGTAATACAGGGCCTAGTGTGTCATACATGTGTTGGCTGCC[C>A]GATAAATTCACAATCTAGGGCATGGAGGAGGTGGCTGTTCCCGCCCCTATGCTTCCTCCT-3'

ClinVar aggregate classification (germline): Benign. Review status: criteria provided, multiple submitters, no conflicts (2 of 4 stars). 2 submissions from 2 submitters: Benign (2). Last evaluated 2018-01-13.

Conditions:
Hirschsprung disease, susceptibility to, 3. Identifiers: Orphanet 388, MedGen C3150974, MONDO:0013383, OMIM 613711.

Allele frequency attached by ClinVar (database versions not stated): 1000 Genomes Project 30x 0.23282; 1000 Genomes Project 0.23502; TOPMed 0.29073; gnomAD 0.29955; gnomAD exomes 0.50000.
gnomAD v4.1: 44,910 of 150,840 alleles (30%); highest among the groups gnomAD compares: Middle Eastern, 38%; 7,232 homozygotes.

Submissions (2):

Illumina Laboratory Services, Illumina
Classification: Benign for Hirschsprung disease, susceptibility to, 3. Last evaluated: 2018-01-13. Review status: criteria provided, single submitter. Criteria: ICSL Variant Classification Criteria 13 December 2019. Collection method: clinical testing. Allele origin: germline.
Comment: This variant was observed in the ICSL laboratory as part of a predisposition screen in an ostensibly healthy population. It had not been previously curated by ICSL or reported in the Human Gene Mutation Database (HGMD: prior to June 1st, 2018), and was therefore a candidate for classification through an automated scoring system. Utilizing variant allele frequency, disease prevalence and penetrance estimates, and inheritance mode, an automated score was calculated to assess if this variant is too frequent to cause the disease. Based on the score and internal cut-off values, a variant classified as benign is not then subjected to further curation. The score for this variant resulted in a classification of benign for this disease.

Breakthrough Genomics
Classification: Benign. Review status: criteria provided, single submitter. Criteria: ACMG Guidelines, 2015. Collection method: not provided. Allele origin: germline. Inheritance: Autosomal dominant inheritance. Affected: yes.